The following is an entry in ClinVar:

NM_000340.2(SLC2A2):c.914T>C (p.Leu305Pro)

Gene: SLC2A2 (solute carrier family 2 member 2; minus strand). Cytogenetic location: 3q26.2.
Variant type: single nucleotide variant.
Coding change: c.914T>C on transcript NM_000340.2 (MANE Select); coding-DNA position 914, T replaced by C.
Protein change: p.Leu305Pro; replaces leucine 305 with proline.
Molecular consequence: missense variant.
Genome position (GRCh38, 1-based): chr3:171,005,334, A>G on the plus strand (T>C on the coding strand, the complement: SLC2A2 is on the minus strand). VCF-style: chr3-171005334-A-G. GRCh37 (hg19) VCF-style: chr3-170723123-A-G.
Other names: c.557T>C, p.Leu186Pro (NM_001278658.2); c.395T>C, p.Leu132Pro (NM_001278659.2); short protein forms L132P, L186P, L305P.
Identifiers: ClinVar variation 2165079 (VCV002165079.3), dbSNP rs938526894, ClinGen allele CA87709344.
Genomic context (GRCh38, chr3:171,005,334, plus strand): 5'-CTTAAACTTACGCCATTGATTCCGGAAAATTGCTGAGCCACATGCAGCATCAGTGCCACT[A>G]GAATAGGCTGTCGGTAGCTGGAATTGGTGAAGAGCTGAATTATAGAGACTTTCTGCTCAC-3'
Protein context (NP_000331.1, residues 295-315): FTNSSYRQPI[Leu305Pro]VALMLHVAQQ

ClinVar aggregate classification (germline): Uncertain significance. Review status: criteria provided, multiple submitters, no conflicts (2 of 4 stars). 2 submissions from 2 submitters: Uncertain significance (2). Last evaluated 2024-06-25.

Conditions:
Fanconi-Bickel syndrome (FBS). Also called: FANCONI SYNDROME WITH INTESTINAL MALABSORPTION AND GALACTOSE INTOLERANCE; HEPATIC GLYCOGENOSIS WITH AMINO ACIDURIA AND GLUCOSURIA; HEPATIC GLYCOGENOSIS WITH FANCONI NEPHROPATHY; Glycogen storage disease due to GLUT2 deficiency; HEPATORENAL GLYCOGENOSIS WITH RENAL FANCONI SYNDROME; PSEUDO-PHLORIZIN DIABETES. Identifiers: Orphanet 2088, MedGen C3495427, MONDO:0009216, OMIM 227810.
Type 2 diabetes mellitus. Also called: Type II diabetes mellitus. Identifiers: MedGen C0011860, MeSH D003924, MONDO:0005148, OMIM 125853, HP:0005978.

Allele frequency attached by ClinVar (database versions not stated): gnomAD 0.00006; TOPMed 0.00006; gnomAD exomes below 0.00001.
gnomAD v4.1: 12 of 1,612,938 alleles (0.00074%); highest among the groups gnomAD compares: African/African-American, 0.015%; no homozygotes.

Submissions (2):

Fulgent Genetics
Classification: Uncertain significance for Type 2 diabetes mellitus; Fanconi-Bickel syndrome. Last evaluated: 2024-06-25. Review status: criteria provided, single submitter. Criteria: ACMG Guidelines, 2015. Collection method: clinical testing. Allele origin: germline.

Labcorp Genetics (formerly Invitae), Labcorp
Classification: Uncertain significance for Fanconi-Bickel syndrome. Last evaluated: 2022-06-15. Review status: criteria provided, single submitter. Criteria: Invitae Variant Classification Sherloc (09022015). Collection method: clinical testing. Allele origin: germline.
Comment: In summary, the available evidence is currently insufficient to determine the role of this variant in disease. Therefore, it has been classified as a Variant of Uncertain Significance. Advanced modeling of protein sequence and biophysical properties (such as structural, functional, and spatial information, amino acid conservation, physicochemical variation, residue mobility, and thermodynamic stability) performed at Invitae indicates that this missense variant is expected to disrupt SLC2A2 protein function. This variant has not been reported in the literature in individuals affected with SLC2A2-related conditions. This variant is present in population databases (no rsID available, gnomAD 0.01%). This sequence change replaces leucine, which is neutral and non-polar, with proline, which is neutral and non-polar, at codon 305 of the SLC2A2 protein (p.Leu305Pro).